The following is an entry in ClinVar:

NM_001372106.1(DNAH10):c.12270G>A (p.Lys4090=)

Genes: DNAH10 (dynein axonemal heavy chain 10; plus strand), DNAH10OS (dynein axonemal heavy chain 10 opposite strand; minus strand). Cytogenetic location: 12q24.31.
Variant type: single nucleotide variant.
Coding change: c.12270G>A on transcript NM_001372106.1 (MANE Select); coding-DNA position 12270, G replaced by A.
Protein change: p.Lys4090=; no amino-acid change (lysine 4090 retained).
Molecular consequence: synonymous variant.
Genome position (GRCh38, 1-based): chr12:123,928,551, G>A. VCF-style: chr12-123928551-G-A. GRCh37 (hg19) VCF-style: chr12-124413098-G-A.
Other names: c.11916G>A, p.Lys3972= (NM_207437.3).
Identifiers: ClinVar variation 2643540 (VCV002643540.24), dbSNP rs769712143, ClinGen allele CA6865873.

ClinVar aggregate classification (germline): Likely benign (1 of 4 stars; one submission).

Allele frequency attached by ClinVar (database versions not stated): gnomAD exomes 0.00002; ExAC 0.00009; gnomAD 0.00023; TOPMed 0.00024.
gnomAD v4.1: 65 of 1,609,352 alleles (0.004%); highest among the groups gnomAD compares: African/African-American, 0.083%; no homozygotes.

Submission:

CeGaT Center for Human Genetics Tuebingen
Classification: Likely benign. Last evaluated: 2022-03-01. Review status: criteria provided, single submitter. Criteria: CeGaT Center For Human Genetics Tuebingen Variant Classification Criteria Version 2. Collection method: clinical testing. Allele origin: germline. Affected: yes. Observed: 1 variant allele.
Comment: DNAH10: BP4, BP7